The following is an entry in ClinVar:

NM_000208.4(INSR):c.1032C>T (p.Gly344=)

Gene: INSR (insulin receptor; minus strand). Cytogenetic location: 19p13.2.
Variant type: single nucleotide variant.
Coding change: c.1032C>T on transcript NM_000208.4 (MANE Select); coding-DNA position 1032, C replaced by T.
Protein change: p.Gly344=; no amino-acid change (glycine 344 retained).
Molecular consequence: synonymous variant.
Genome position (GRCh38, 1-based): chr19:7,174,674, G>A on the plus strand (C>T on the coding strand, the complement: INSR is on the minus strand). VCF-style: chr19-7174674-G-A. GRCh37 (hg19) VCF-style: chr19-7174685-G-A.
Other names: c.1032C>T, p.Gly344= (NM_001079817.3).
Identifiers: ClinVar variation 3031968 (VCV003031968.2), dbSNP rs369231534, ClinGen allele CA9135940.

ClinVar aggregate classification (germline): Likely benign (0 of 4 stars; one submission).

Conditions:
INSR-related disorder.

Allele frequency attached by ClinVar (database versions not stated): ExAC 0.00001; gnomAD exomes 0.00001; gnomAD 0.00002; TOPMed 0.00002; ESP Exome Variant Server 0.00008; 1000 Genomes Project 30x 0.00016; 1000 Genomes Project 0.00020.
gnomAD v4.1: 21 of 1,613,892 alleles (0.0013%); highest among the groups gnomAD compares: Non-Finnish European, 0.0014%; no homozygotes.

Submission:

PreventionGenetics, part of Exact Sciences
Classification: Likely benign for INSR-related condition. Last evaluated: 2023-10-30. Review status: no assertion criteria provided. Collection method: clinical testing. Allele origin: germline.
Comment: This variant is classified as likely benign based on ACMG/AMP sequence variant interpretation guidelines (Richards et al. 2015 PMID: 25741868, with internal and published modifications).